The following is an entry in ClinVar:

NC_000002.11:g.(?_113875596)_(113890448_?)dup

Gene: IL1RN (interleukin 1 receptor antagonist; plus strand). Cytogenetic location: 2q13.
Variant type: Duplication.
Identifiers: ClinVar variation 2427517 (VCV002427517.4).

ClinVar aggregate classification (germline): Uncertain significance (1 of 4 stars; one submission).

Conditions:
Sterile multifocal osteomyelitis with periostitis and pustulosis. Also called: CHRONIC RECURRENT MULTIFOCAL OSTEOMYELITIS 2, WITH PERIOSTITIS AND PUSTULOSIS. Identifiers: Orphanet 210115, MedGen C2748507, MONDO:0013021, OMIM 612852.

Submission:

Labcorp Genetics (formerly Invitae), Labcorp
Classification: Uncertain significance for Sterile multifocal osteomyelitis with periostitis and pustulosis. Last evaluated: 2022-10-07. Review status: criteria provided, single submitter. Criteria: Invitae Variant Classification Sherloc (09022015). Collection method: clinical testing. Allele origin: germline.
Comment: A copy number gain of the genomic region encompassing the full coding sequence of the IL1RN gene has been identified. The boundaries of this event are unknown as they extend beyond the assayed region for this gene and therefore may encompass additional genes. As the precise location of this event is unknown, it may be in tandem or it may be located elsewhere in the genome. This variant has not been reported in the literature in individuals affected with IL1RN-related conditions. In summary, the available evidence is currently insufficient to determine the role of this variant in disease. Therefore, it has been classified as a Variant of Uncertain Significance.